The following is an entry in ClinVar:

NM_000399.5(EGR2):c.1178C>G (p.Thr393Ser)

Gene: EGR2 (early growth response 2; minus strand). Cytogenetic location: 10q21.3.
Variant type: single nucleotide variant.
Coding change: c.1178C>G on transcript NM_000399.5 (MANE Select); coding-DNA position 1178, C replaced by G.
Protein change: p.Thr393Ser; replaces threonine 393 with serine.
Molecular consequence: missense variant.
Genome position (GRCh38, 1-based): chr10:62,813,460, G>C on the plus strand (C>G on the coding strand, the complement: EGR2 is on the minus strand). VCF-style: chr10-62813460-G-C. GRCh37 (hg19) VCF-style: chr10-64573220-G-C.
Other names: c.1178C>G, p.Thr393Ser (NM_001136177.3, NM_001136178.2); c.1028C>G, p.Thr343Ser (NM_001136179.3, NM_001321037.2); c.1217C>G, p.Thr406Ser (NM_001410931.1); short protein forms T406S, T393S, T343S.
Identifiers: ClinVar variation 2852587 (VCV002852587.3), dbSNP rs2492293800, ClinGen allele CA377027423.
Genomic context (GRCh38, chr10:62,813,460, plus strand): 5'-CTCTCATCACTCCGGGCAAACTTTCGGCCACAGTAGTCACAGGCGAAGGGCTTCTCACCG[G>C]TGTGGGTGCGGATATGGGTGGTGAGGTGGTCACTGCGGCTGAAGTTGCGCATGCAGATCC-3'
Protein context (NP_000390.2, residues 383-403): DHLTTHIRTH[Thr393Ser]GEKPFACDYC

ClinVar aggregate classification (germline): Uncertain significance (1 of 4 stars; one submission).

Conditions:
Charcot-Marie-Tooth disease, type I (CMT1). Also called: Charcot-Marie-Tooth, Type 1; Charcot-Marie-Tooth disease type 1. Identifiers: Orphanet 65753, MedGen C0751036, MONDO:0019011.

Submission:

Labcorp Genetics (formerly Invitae), Labcorp
Classification: Uncertain significance for Charcot-Marie-Tooth disease, type I. Last evaluated: 2023-04-06. Review status: criteria provided, single submitter. Criteria: Invitae Variant Classification Sherloc (09022015). Collection method: clinical testing. Allele origin: germline.
Comment: This variant has not been reported in the literature in individuals affected with EGR2-related conditions. Advanced modeling of protein sequence and biophysical properties (such as structural, functional, and spatial information, amino acid conservation, physicochemical variation, residue mobility, and thermodynamic stability) performed at Invitae indicates that this missense variant is expected to disrupt EGR2 protein function. In summary, the available evidence is currently insufficient to determine the role of this variant in disease. Therefore, it has been classified as a Variant of Uncertain Significance. This sequence change replaces threonine, which is neutral and polar, with serine, which is neutral and polar, at codon 393 of the EGR2 protein (p.Thr393Ser). This variant is not present in population databases (gnomAD no frequency).